The following is an entry in ClinVar:

ClinVar aggregate classification (germline): Pathogenic/Likely pathogenic. Review status: criteria provided, multiple submitters, no conflicts (2 of 4 stars). 2 submissions from 2 submitters: Pathogenic (1); Likely pathogenic (1). Last evaluated 2025-11-20.

Conditions:
Autosomal recessive polycystic kidney disease (ARPKD). Also called: AR polycystic kidney disease. Identifiers: Orphanet 731, Orphanet 8378, MedGen C0085548, MeSH D017044, MONDO:0009889.

Submissions (2):

Natera, Inc.
Classification: Likely pathogenic for Autosomal recessive polycystic kidney disease. Last evaluated: 2025-11-20. Review status: criteria provided, single submitter. Criteria: Natera Variant Classification Schema (03/2026). Collection method: clinical testing. Allele origin: germline.
Comment: The c.9075dupC variant in PKHD1 is a frameshift variant predicted to shift the reading frame beginning at codon 3026 and leads to a stop codon 15 codons downstream. This variant is expected to result in nonsense mediated decay, truncation, or a dysfunctional protein product. This variant is rare in the general population with a frequency below the threshold expected for the associated phenotype(s). Given the available evidence, this variant is classified as Likely Pathogenic.

Labcorp Genetics (formerly Invitae), Labcorp
Classification: Pathogenic for Autosomal recessive polycystic kidney disease. Last evaluated: 2024-02-10. Review status: criteria provided, single submitter. Criteria: Invitae Variant Classification Sherloc (09022015). Collection method: clinical testing. Allele origin: germline.
Comment: This sequence change creates a premature translational stop signal (p.Gly3026Argfs*15) in the PKHD1 gene. It is expected to result in an absent or disrupted protein product. Loss-of-function variants in PKHD1 are known to be pathogenic (PMID: 19940839). This variant is not present in population databases (gnomAD no frequency). This variant has not been reported in the literature in individuals affected with PKHD1-related conditions. For these reasons, this variant has been classified as Pathogenic.

Literature cited by the submitters: PubMed 19940839 (cited by Labcorp Genetics (formerly Invitae), Labcorp).

NM_138694.4(PKHD1):c.9075dup (p.Gly3026fs)

Gene: PKHD1 (PKHD1 ciliary IPT domain containing fibrocystin/polyductin; minus strand). Cytogenetic location: 6p12.3.
Variant type: Duplication.
Coding change: c.9075dup on transcript NM_138694.4 (MANE Select); coding-DNA position 9075, one base duplicated (C; older notation c.9075dupC).
Protein change: p.Gly3026fs; shifts the reading frame from glycine 3026.
Molecular consequence: frameshift variant.
Genome position (GRCh38, 1-based): chr6:51,748,541, G duplicated on the plus strand (C on the coding strand, the reverse complement: PKHD1 is on the minus strand). VCF-style (leftmost placement, unchanged base first): chr6-51748540-C-CG. GRCh37 (hg19) VCF-style: chr6-51613338-C-CG.
Other names: c.9075dup, p.Gly3026fs (NM_170724.3); c.9075dupC (NM_138694.3); short protein forms G3026fs.
Identifiers: ClinVar variation 3638885 (VCV003638885.3).